The following is an entry in ClinVar:

ClinVar aggregate classification (germline): Uncertain significance. Review status: criteria provided, multiple submitters, no conflicts (2 of 4 stars). 2 submissions from 2 submitters: Uncertain significance (2). Last evaluated 2023-07-08.

Conditions:
Neuroblastoma, susceptibility to, 3. Also called: ALK-Related Neuroblastic Tumor Susceptibility. Identifiers: Orphanet 635, MedGen C2751681, MONDO:0013083, OMIM 613014.
Hereditary cancer-predisposing syndrome. Also called: Hereditary neoplastic syndrome; Neoplastic Syndromes, Hereditary; Tumor predisposition; Hereditary Cancer Syndrome. Identifiers: Orphanet 140162, MedGen C0027672, MeSH D009386, MONDO:0015356.

Submissions (2):

Ambry Genetics
Classification: Uncertain significance for Hereditary cancer-predisposing syndrome. Last evaluated: 2023-07-08. Review status: criteria provided, single submitter. Criteria: Ambry Variant Classification Scheme 2023. Collection method: clinical testing. Allele origin: germline.
Comment: The p.P11S variant (also known as c.31C>T), located in coding exon 1 of the ALK gene, results from a C to T substitution at nucleotide position 31. The proline at codon 11 is replaced by serine, an amino acid with similar properties. This amino acid position is conserved. In addition, this alteration is predicted to be tolerated by in silico analysis. Since supporting evidence is limited at this time, the clinical significance of this alteration remains unclear.

Labcorp Genetics (formerly Invitae), Labcorp
Classification: Uncertain significance for Neuroblastoma, susceptibility to, 3. Last evaluated: 2022-04-28. Review status: criteria provided, single submitter. Criteria: Invitae Variant Classification Sherloc (09022015). Collection method: clinical testing. Allele origin: germline.
Comment: In summary, the available evidence is currently insufficient to determine the role of this variant in disease. Therefore, it has been classified as a Variant of Uncertain Significance. Algorithms developed to predict the effect of missense changes on protein structure and function (SIFT, PolyPhen-2, Align-GVGD) all suggest that this variant is likely to be tolerated. This variant has not been reported in the literature in individuals affected with ALK-related conditions. This variant is not present in population databases (gnomAD no frequency). This sequence change replaces proline, which is neutral and non-polar, with serine, which is neutral and polar, at codon 11 of the ALK protein (p.Pro11Ser).

NM_004304.5(ALK):c.31C>T (p.Pro11Ser)

Gene: ALK (ALK receptor tyrosine kinase; minus strand). Cytogenetic location: 2p23.1.
Variant type: single nucleotide variant.
Coding change: c.31C>T on transcript NM_004304.5 (MANE Select); coding-DNA position 31, C replaced by T.
Protein change: p.Pro11Ser; replaces proline 11 with serine.
Molecular consequence: missense variant.
Genome position (GRCh38, 1-based): chr2:29,920,629, G>A on the plus strand (C>T on the coding strand, the complement: ALK is on the minus strand). VCF-style: chr2-29920629-G-A. GRCh37 (hg19) VCF-style: chr2-30143495-G-A.
Other names: c.31C>T (NM_004304.4); short protein forms P11S.
Identifiers: ClinVar variation 1976571 (VCV001976571.7), dbSNP rs775832910, ClinGen allele CA1595068.
Genomic context (GRCh38, chr2:29,920,629, plus strand): 5'-AGCCCGCGCGCTGGCCGGTCCCCATCCCGGAGCCCACAGCTGCCGTGGAAAGCAGCAGCG[G>A]CAGGAGCCACAGGAGCCCGATGGCTCCCATCCCGCCGGAGGAGGCCGTTTACACTGCTCT-3'
Protein context (NP_004295.2, residues 1-21): MGAIGLLWLL[Pro11Ser]LLLSTAAVGS